The following is an entry in ClinVar:

NM_016222.4(DDX41):c.1585A>C (p.Thr529Pro)

Gene: DDX41 (DEAD-box helicase 41; minus strand). Cytogenetic location: 5q35.3.
Variant type: single nucleotide variant.
Coding change: c.1585A>C on transcript NM_016222.4 (MANE Select); coding-DNA position 1585, A replaced by C.
Protein change: p.Thr529Pro; replaces threonine 529 with proline.
Molecular consequence: missense variant.
Genome position (GRCh38, 1-based): chr5:177,512,358, T>G on the plus strand (A>C on the coding strand, the complement: DDX41 is on the minus strand). VCF-style: chr5-177512358-T-G. GRCh37 (hg19) VCF-style: chr5-176939359-T-G.
Other names: c.1207A>C, p.Thr403Pro (NM_001321732.2, NM_001321830.2); c.1585A>C (NM_016222.2); short protein forms T403P, T529P.
Identifiers: ClinVar variation 3036725 (VCV003036725.3), dbSNP rs1581802660, ClinGen allele CA362372401.
Genomic context (GRCh38, chr5:177,512,358, plus strand): 5'-AGGTGGCGCTGGTAACAGACTCACCACACGCTTTGTTGATGAAGGTAGTGGCGATGCCTG[T>G]GTTTCCCGAGCGCCCGGTGCGGCCAATCCGGTGTACTGCAGAGAGAAGGACAGAGTCTCT-3'
Protein context (NP_057306.2, residues 519-539): RIGRTGRSGN[Thr529Pro]GIATTFINKA

ClinVar aggregate classification (germline): Uncertain significance. Review status: criteria provided, single submitter (1 of 4 stars). 2 submissions from 2 submitters: Uncertain significance (1). 1 of the submissions does not count toward it. Last evaluated 2025-05-05.

Conditions:
Inborn genetic diseases. Identifiers: MedGen C0950123, MeSH D030342.
DDX41-related disorder. Also called: DDX41-related condition.

Allele frequency attached by ClinVar (database versions not stated): gnomAD exomes below 0.00001; TOPMed below 0.00001.
gnomAD v4.1: 1 of 1,613,990 alleles (0.000062%); highest among the groups gnomAD compares: Non-Finnish European, 0.000085%; no homozygotes.

Submissions (2):

Ambry Genetics
Classification: Uncertain significance for Inborn genetic diseases. Last evaluated: 2025-05-05. Review status: criteria provided, single submitter. Criteria: Ambry Variant Classification Scheme 2023. Collection method: clinical testing. Allele origin: germline.
Comment: The p.T529P variant (also known as c.1585A>C), located in coding exon 15 of the DDX41 gene, results from an A to C substitution at nucleotide position 1585. The threonine at codon 529 is replaced by proline, an amino acid with highly similar properties. This amino acid position is conserved. In addition, this alteration is predicted to be deleterious by in silico analysis. Based on the available evidence, the clinical significance of this variant remains unclear.

PreventionGenetics, part of Exact Sciences
Classification: Uncertain significance for DDX41-related condition. Last evaluated: 2024-02-12. Review status: no assertion criteria provided. Collection method: clinical testing. Allele origin: germline. Not counted in ClinVar's aggregate classification.
Comment: The DDX41 c.1585A>C variant is predicted to result in the amino acid substitution p.Thr529Pro. To our knowledge, this variant has not been reported in the literature or in a large population database, indicating this variant is rare. This variant is not reported in ClinVar. At this time, the clinical significance of this variant is uncertain due to the absence of conclusive functional and genetic evidence.